The following is an entry in ClinVar:

ClinVar aggregate classification (germline): Uncertain significance (1 of 4 stars; one submission).

Conditions:
Severe combined immunodeficiency due to DNA-PKcs deficiency. Also called: Immunodeficiency 26 with or without neurologic abnormalities; IMMUNODEFICIENCY 26 WITH NEUROLOGIC ABNORMALITIES. Identifiers: Orphanet 317425, MedGen C4014833, MONDO:0014423, OMIM 615966.

Submission:

Labcorp Genetics (formerly Invitae), Labcorp
Classification: Uncertain significance for Severe combined immunodeficiency due to DNA-PKcs deficiency. Last evaluated: 2024-05-01. Review status: criteria provided, single submitter. Criteria: Invitae Variant Classification Sherloc (09022015). Collection method: clinical testing. Allele origin: germline.
Comment: This sequence change replaces glutamic acid, which is acidic and polar, with glutamine, which is neutral and polar, at codon 2960 of the PRKDC protein (p.Glu2960Gln). This variant is not present in population databases (gnomAD no frequency). This variant has not been reported in the literature in individuals affected with PRKDC-related conditions. Advanced modeling of protein sequence and biophysical properties (such as structural, functional, and spatial information, amino acid conservation, physicochemical variation, residue mobility, and thermodynamic stability) performed at Invitae indicates that this missense variant is not expected to disrupt PRKDC protein function with a negative predictive value of 80%. In summary, the available evidence is currently insufficient to determine the role of this variant in disease. Therefore, it has been classified as a Variant of Uncertain Significance.

NM_006904.7(PRKDC):c.8878G>C (p.Glu2960Gln)

Gene: PRKDC (protein kinase, DNA-activated, catalytic subunit; minus strand). Cytogenetic location: 8q11.21.
Variant type: single nucleotide variant.
Coding change: c.8878G>C on transcript NM_006904.7 (MANE Select); coding-DNA position 8878, G replaced by C.
Protein change: p.Glu2960Gln; replaces glutamic acid 2960 with glutamine.
Molecular consequence: missense variant.
Genome position (GRCh38, 1-based): chr8:47,823,902, C>G on the plus strand (G>C on the coding strand, the complement: PRKDC is on the minus strand). VCF-style: chr8-47823902-C-G. GRCh37 (hg19) VCF-style: chr8-48736463-C-G.
Other names: c.8878G>C, p.Glu2960Gln (NM_001081640.2); short protein forms E2960Q.
Identifiers: ClinVar variation 2765210 (VCV002765210.3), dbSNP rs2551865863, ClinGen allele CA371142354.